The following is an entry in ClinVar:

NM_178857.6(RP1L1):c.347C>G (p.Pro116Arg)

Gene: RP1L1 (RP1 like 1). Cytogenetic location: 8p23.1.
Variant type: single nucleotide variant.
Coding change: c.347C>G on transcript NM_178857.6 (MANE Select); coding-DNA position 347, C replaced by G.
Protein change: p.Pro116Arg; replaces proline 116 with arginine.
Molecular consequence: missense variant.
Genome position (GRCh38, 1-based): chr8:10,622,855, G>C on the plus strand (C>G on the coding strand, the complement: RP1L1 is on the minus strand). VCF-style: chr8-10622855-G-C. GRCh37 (hg19) VCF-style: chr8-10480365-G-C.
Other names: short protein forms P116R.
Identifiers: ClinVar variation 1957980 (VCV001957980.5), dbSNP rs2486318662, ClinGen allele CA370300442.

ClinVar aggregate classification (germline): Uncertain significance (1 of 4 stars; one submission).

Submission:

Labcorp Genetics (formerly Invitae), Labcorp
Classification: Uncertain significance. Last evaluated: 2022-06-22. Review status: criteria provided, single submitter. Criteria: Invitae Variant Classification Sherloc (09022015). Collection method: clinical testing. Allele origin: germline.
Comment: This variant is not present in population databases (gnomAD no frequency). This sequence change replaces proline, which is neutral and non-polar, with arginine, which is basic and polar, at codon 116 of the RP1L1 protein (p.Pro116Arg). This variant has not been reported in the literature in individuals affected with RP1L1-related conditions. In summary, the available evidence is currently insufficient to determine the role of this variant in disease. Therefore, it has been classified as a Variant of Uncertain Significance. Advanced modeling of protein sequence and biophysical properties (such as structural, functional, and spatial information, amino acid conservation, physicochemical variation, residue mobility, and thermodynamic stability) performed at Invitae indicates that this missense variant is not expected to disrupt RP1L1 protein function.